The following is an entry in ClinVar:

NM_001025603.2(RFX5):c.1150A>T (p.Ile384Phe)

Gene: RFX5 (regulatory factor X5; minus strand). Cytogenetic location: 1q21.3.
Variant type: single nucleotide variant.
Coding change: c.1150A>T on transcript NM_001025603.2 (MANE Select); coding-DNA position 1150, A replaced by T.
Protein change: p.Ile384Phe; replaces isoleucine 384 with phenylalanine.
Molecular consequence: missense variant.
Genome position (GRCh38, 1-based): chr1:151,342,887, T>A on the plus strand (A>T on the coding strand, the complement: RFX5 is on the minus strand). VCF-style: chr1-151342887-T-A. GRCh37 (hg19) VCF-style: chr1-151315363-T-A.
Other names: c.1150A>T, p.Ile384Phe (NM_000449.4, NM_001379412.1, NM_001379413.1 and 5 more transcripts); c.1030A>T, p.Ile344Phe (NM_001379419.1, NM_001379420.1); short protein forms I384F, I344F.
Identifiers: ClinVar variation 652045 (VCV000652045.8), dbSNP rs1478758721, ClinGen allele CA341929110.

ClinVar aggregate classification (germline): Uncertain significance (1 of 4 stars; one submission).

Conditions:
MHC class II deficiency. Also called: Bare lymphocyte syndrome 2; BLS, TYPE II. Identifiers: Orphanet 572, MedGen C5447452, MONDO:0008855.

Allele frequency attached by ClinVar (database versions not stated): gnomAD exomes below 0.00001.
gnomAD v4.1: 5 of 1,614,156 alleles (0.00031%); highest among the groups gnomAD compares: South Asian, 0.0033%; no homozygotes.

Submission:

Labcorp Genetics (formerly Invitae), Labcorp
Classification: Uncertain significance for MHC class II deficiency. Last evaluated: 2022-08-16. Review status: criteria provided, single submitter. Criteria: Invitae Variant Classification Sherloc (09022015). Collection method: clinical testing. Allele origin: germline.
Comment: In summary, the available evidence is currently insufficient to determine the role of this variant in disease. Therefore, it has been classified as a Variant of Uncertain Significance. Algorithms developed to predict the effect of missense changes on protein structure and function are either unavailable or do not agree on the potential impact of this missense change (SIFT: "Tolerated"; PolyPhen-2: "Probably Damaging"; Align-GVGD: "Class C0"). ClinVar contains an entry for this variant (Variation ID: 652045). This variant has not been reported in the literature in individuals affected with RFX5-related conditions. This variant is present in population databases (no rsID available, gnomAD 0.003%). This sequence change replaces isoleucine, which is neutral and non-polar, with phenylalanine, which is neutral and non-polar, at codon 384 of the RFX5 protein (p.Ile384Phe).